The following is an entry in ClinVar:

NM_182961.4(SYNE1):c.24497T>C (p.Ile8166Thr)

Gene: SYNE1 (spectrin repeat containing nuclear envelope protein 1; minus strand). Cytogenetic location: 6q25.2.
Variant type: single nucleotide variant.
Coding change: c.24497T>C on transcript NM_182961.4 (MANE Select); coding-DNA position 24497, T replaced by C.
Protein change: p.Ile8166Thr; replaces isoleucine 8166 with threonine.
Molecular consequence: missense variant.
Genome position (GRCh38, 1-based): chr6:152,149,622, A>G on the plus strand (T>C on the coding strand, the complement: SYNE1 is on the minus strand). VCF-style: chr6-152149622-A-G. GRCh37 (hg19) VCF-style: chr6-152470757-A-G.
Other names: c.1103T>C, p.Ile368Thr (NM_001347701.2); c.962T>C, p.Ile321Thr (NM_001347702.2); c.24284T>C, p.Ile8095Thr (NM_033071.5); short protein forms I8095T, I321T, I8166T, I368T.
Identifiers: ClinVar variation 1508140 (VCV001508140.8), dbSNP rs201904925, ClinGen allele CA4053158.

ClinVar aggregate classification (germline): Uncertain significance (1 of 4 stars; one submission).

Conditions:
Autosomal recessive ataxia, Beauce type. Also called: SYNE1-Related Autosomal Recessive Cerebellar Ataxia; Spinocerebellar ataxia, autosomal recessive 8; ATAXIA, RECESSIVE, OF BEAUCE; SYNE1 Deficiency. Identifiers: Orphanet 88644, MedGen C1853116, MONDO:0012549, OMIM 610743.
Emery-Dreifuss muscular dystrophy 4, autosomal dominant (EDMD4). Also called: EMERY-DREIFUSS MUSCULAR DYSTROPHY 4 WITH VARIABLE FEATURES. Identifiers: Orphanet 261, MedGen C2751807, MONDO:0013071, OMIM 612998.

Allele frequency attached by ClinVar (database versions not stated): gnomAD exomes below 0.00001; ExAC 0.00001; gnomAD 0.00001; 1000 Genomes Project 30x 0.00016; 1000 Genomes Project 0.00020.
gnomAD v4.1: 8 of 1,614,162 alleles (0.0005%); highest among the groups gnomAD compares: Non-Finnish European, 0.00068%; no homozygotes.

Submission:

Labcorp Genetics (formerly Invitae), Labcorp
Classification: Uncertain significance for Emery-Dreifuss muscular dystrophy 4, autosomal dominant; Autosomal recessive ataxia, Beauce type. Last evaluated: 2021-06-01. Review status: criteria provided, single submitter. Criteria: Invitae Variant Classification Sherloc (09022015). Collection method: clinical testing. Allele origin: germline.
Comment: In summary, the available evidence is currently insufficient to determine the role of this variant in disease. Therefore, it has been classified as a Variant of Uncertain Significance. Algorithms developed to predict the effect of missense changes on protein structure and function are either unavailable or do not agree on the potential impact of this missense change (SIFT: "Deleterious"; PolyPhen-2: "Probably Damaging"; Align-GVGD: "Class C0"). This variant has not been reported in the literature in individuals with SYNE1-related conditions. This variant is present in population databases (rs201904925, ExAC 0.001%). This sequence change replaces isoleucine with threonine at codon 8095 of the SYNE1 protein (p.Ile8095Thr). The isoleucine residue is highly conserved and there is a moderate physicochemical difference between isoleucine and threonine.